The following is an entry in ClinVar:

NM_001110556.2(FLNA):c.6800G>C (p.Gly2267Ala)

Gene: FLNA (filamin A; minus strand). Cytogenetic location: Xq28.
Variant type: single nucleotide variant.
Coding change: c.6800G>C on transcript NM_001110556.2 (MANE Select); coding-DNA position 6800, G replaced by C.
Protein change: p.Gly2267Ala; replaces glycine 2267 with alanine.
Molecular consequence: missense variant.
Genome position (GRCh38, 1-based): chrX:154,351,991, C>G on the plus strand (G>C on the coding strand, the complement: FLNA is on the minus strand). VCF-style: chrX-154351991-C-G. GRCh37 (hg19) VCF-style: chrX-153580359-C-G.
Other names: c.6776G>C, p.Gly2259Ala (NM_001456.4); short protein forms G2259A, G2267A.
Identifiers: ClinVar variation 3903027 (VCV003903027.1).

ClinVar aggregate classification (germline): Uncertain significance (1 of 4 stars; one submission).

Submission:

GeneDx
Classification: Uncertain significance. Last evaluated: 2024-12-13. Review status: criteria provided, single submitter. Criteria: GeneDx Variant Classification Process June 2021. Collection method: clinical testing. Allele origin: germline. Affected: yes.
Comment: Not observed at significant frequency in large population cohorts (gnomAD); In silico analysis supports that this missense variant has a deleterious effect on protein structure/function; Has not been previously published as pathogenic or benign to our knowledge